The following is an entry in ClinVar:

ClinVar aggregate classification (germline): Conflicting classifications of pathogenicity. Review status: criteria provided, conflicting classifications (1 of 4 stars). 3 submissions from 3 submitters: Uncertain significance (2); Likely benign (1). Last evaluated 2025-10-01.

Conditions:
Hereditary breast ovarian cancer syndrome. Also called: Hereditary breast and ovarian cancer syndrome (HBOC); Hereditary breast and ovarian cancer; BRCA1- and BRCA2-Associated Hereditary Breast and Ovarian Cancer; Hereditary breast and ovarian cancer syndrome; Breast and ovarian cancer; Hereditary breast and/or ovarian cancer syndrome. Identifiers: Orphanet 145, MedGen C0677776, MeSH D061325, MONDO:0003582. Disease mechanism: loss of function.
Hereditary cancer-predisposing syndrome. Also called: Neoplastic Syndromes, Hereditary; Tumor predisposition; Hereditary Cancer Syndrome; Hereditary neoplastic syndrome. Identifiers: Orphanet 140162, MedGen C0027672, MeSH D009386, MONDO:0015356.

Allele frequency attached by ClinVar (database versions not stated): gnomAD exomes below 0.00001.
gnomAD v4.1: 5 of 1,577,610 alleles (0.00032%); highest among the groups gnomAD compares: Non-Finnish European, 0.00044%; no homozygotes.

Submissions (3):

Labcorp Genetics (formerly Invitae), Labcorp
Classification: Likely benign for Hereditary breast ovarian cancer syndrome. Last evaluated: 2025-10-01. Review status: criteria provided, single submitter. Criteria: Invitae Variant Classification Sherloc (09022015). Collection method: clinical testing. Allele origin: germline.

Color Diagnostics, LLC DBA Color Health
Classification: Uncertain significance for Hereditary cancer-predisposing syndrome. Last evaluated: 2023-05-24. Review status: criteria provided, single submitter. Criteria: ACMG Guidelines, 2015. Collection method: clinical testing. Allele origin: germline.
Comment: This variant causes a C to T nucleotide substitution at the -3 position of intron 8 of the BRCA2 gene. To our knowledge, functional studies have not been reported for this variant. This variant has not been reported in individuals affected with BRCA2-related disorders in the literature. This variant has not been identified in the general population by the Genome Aggregation Database (gnomAD). The available evidence is insufficient to determine the role of this variant in disease conclusively. Therefore, this variant is classified as a Variant of Uncertain Significance.

Ambry Genetics
Classification: Uncertain significance for Hereditary cancer-predisposing syndrome. Last evaluated: 2021-03-30. Review status: criteria provided, single submitter. Criteria: Ambry Variant Classification Scheme 2023. Collection method: clinical testing. Allele origin: germline.
Comment: The c.682-3C>T intronic variant results from a C to T substitution 3 nucleotides upstream from coding exon 8 in the BRCA2 gene. This nucleotide position is well conserved in available vertebrate species. In silico splice site analysis predicts that this alteration will not have any significant effect on splicing. Since supporting evidence is limited at this time, the clinical significance of this alteration remains unclear.

NM_000059.4(BRCA2):c.682-3C>T

Gene: BRCA2 (BRCA2 DNA repair associated; plus strand). Cytogenetic location: 13q13.1.
Variant type: single nucleotide variant.
Coding change: c.682-3C>T on transcript NM_000059.4 (MANE Select); 3 bases into the intron before coding-DNA position 682, C replaced by T.
Molecular consequence: intron variant.
Genome position (GRCh38, 1-based): chr13:32,330,916, C>T. VCF-style: chr13-32330916-C-T. GRCh37 (hg19) VCF-style: chr13-32905053-C-T.
Identifiers: ClinVar variation 1755649 (VCV001755649.7), dbSNP rs1244178555, ClinGen allele CA609085430.
Genomic context (GRCh38, chr13:32,330,916, plus strand): 5'-GACTACTACTATATGTGCATTGAGAGTTTTTATACTAGTGATTTTAAACTATAATTTTTG[C>T]AGAATGTGAAAAGCTATTTTTCCAATCATGATGAAAGTCTGAAGAAAAATGATAGATTTA-3'